The following is an entry in ClinVar:

NM_000392.5(ABCC2):c.3888C>G (p.Ser1296Arg)

Gene: ABCC2 (ATP binding cassette subfamily C member 2; plus strand). Cytogenetic location: 10q24.2.
Variant type: single nucleotide variant.
Coding change: c.3888C>G on transcript NM_000392.5 (MANE Select); coding-DNA position 3888, C replaced by G.
Protein change: p.Ser1296Arg; replaces serine 1296 with arginine.
Molecular consequence: missense variant.
Genome position (GRCh38, 1-based): chr10:99,844,366, C>G. VCF-style: chr10-99844366-C-G. GRCh37 (hg19) VCF-style: chr10-101604123-C-G.
Other names: c.3888C>G (NM_000392.4); c.3888C>G, p.Ser1296Arg (LRG_1208t1); short protein forms S1296R.
Identifiers: ClinVar variation 287346 (VCV000287346.10), dbSNP rs143990242, ClinGen allele CA5643981.

ClinVar aggregate classification (germline): Uncertain significance. Review status: criteria provided, multiple submitters, no conflicts (2 of 4 stars). 3 submissions from 3 submitters: Uncertain significance (2). 1 of the submissions does not count toward it. Last evaluated 2018-01-13.

Conditions:
ABCC2-related disorder. Also called: ABCC2-related condition.
Dubin-Johnson syndrome (DJS). Also called: HYPERBILIRUBINEMIA, DUBIN-JOHNSON TYPE; Hyperbilirubinemia type 2; Jaundice, Chronic Idiopathic. Identifiers: Orphanet 234, MedGen C0022350, MONDO:0009380, OMIM 237500.

Allele frequency attached by ClinVar (database versions not stated): ExAC 0.00004; gnomAD exomes 0.00004 and 0.00007; gnomAD 0.00009 and 0.00011; TOPMed 0.00010; ESP Exome Variant Server 0.00015.
gnomAD v4.1: 112 of 1,614,088 alleles (0.0069%); highest among the groups gnomAD compares: African/African-American, 0.015%; no homozygotes.

Submissions (3):

Illumina Laboratory Services, Illumina
Classification: Uncertain significance for Dubin-Johnson syndrome. Last evaluated: 2018-01-13. Review status: criteria provided, single submitter. Criteria: ICSL Variant Classification Criteria 13 December 2019. Collection method: clinical testing. Allele origin: germline.

Eurofins Ntd Llc (ga)
Classification: Uncertain significance. Last evaluated: 2016-04-04. Review status: criteria provided, single submitter. Criteria: EGL Classification Definitions 2015. Collection method: clinical testing. Allele origin: germline. Observed: 1 variant allele, 1 heterozygote.

PreventionGenetics, part of Exact Sciences
Classification: Uncertain significance for ABCC2-related condition. Last evaluated: 2024-07-30. Review status: no assertion criteria provided. Collection method: clinical testing. Allele origin: germline. Not counted in ClinVar's aggregate classification.
Comment: The ABCC2 c.3888C>G variant is predicted to result in the amino acid substitution p.Ser1296Arg. To our knowledge, this variant has not been reported in the literature. This variant is reported in 0.0080% of alleles in individuals of African descent in gnomAD. At this time, the clinical significance of this variant is uncertain due to the absence of conclusive functional and genetic evidence.